The following is an entry in ClinVar:

ClinVar aggregate classification (germline): Pathogenic (1 of 4 stars; one submission).

Conditions:
Hereditary cancer-predisposing syndrome. Also called: Tumor predisposition; Hereditary Cancer Syndrome; Hereditary neoplastic syndrome; Neoplastic Syndromes, Hereditary. Identifiers: Orphanet 140162, MedGen C0027672, MeSH D009386, MONDO:0015356.

Submission:

Ambry Genetics
Classification: Pathogenic for Hereditary cancer-predisposing syndrome. Last evaluated: 2024-04-01. Review status: criteria provided, single submitter. Criteria: Ambry Variant Classification Scheme 2023. Collection method: clinical testing. Allele origin: germline.
Comment: The c.960_961delAA variant, located in coding exon 9 of the APC gene, results from a deletion of two nucleotides at nucleotide positions 960 to 961, causing a translational frameshift with a predicted alternate stop codon (p.M321Afs*5). This variant is considered to be rare based on population cohorts in the Genome Aggregation Database (gnomAD). This alteration is expected to result in loss of function by premature protein truncation or nonsense-mediated mRNA decay. As such, this alteration is interpreted as a disease-causing mutation.

NM_000038.6(APC):c.960_961del (p.Met321fs)

Gene: APC (APC regulator of Wnt signaling pathway; plus strand). Cytogenetic location: 5q22.2.
Variant type: Deletion.
Coding change: c.960_961del on transcript NM_000038.6 (MANE Select); coding-DNA positions 960 to 961, 2 bases deleted (AA; older notation c.960_961delAA).
Protein change: p.Met321fs; shifts the reading frame from methionine 321.
Molecular consequence: frameshift variant. On other transcripts: intron variant (15), non-coding transcript variant (2).
Genome position (GRCh38, 1-based): chr5:112,818,992-112,818,993, AA deleted. VCF-style (leftmost placement, unchanged base first): chr5-112818991-CAA-C. GRCh37 (hg19) VCF-style: chr5-112154688-CAA-C.
Other names: c.850-277_850-276del (NM_001407469.1, NM_001407467.1); c.964-277_964-276del (NM_001354902.2); c.934-277_934-276del (NM_001407457.1, NM_001407458.1, NM_001407455.1 and 5 more transcripts); c.859-277_859-276del (NM_001354904.2); c.85-277_85-276del (NM_001407471.1, NM_001407472.1); c.757-277_757-276del (NM_001354905.2); c.960_961del, p.Met321fs (NM_001407449.1, NM_001407450.1, NM_001127510.3 and 4 more transcripts); c.885_886del, p.Met296fs (NM_001407451.1, NM_001354898.2); and 5 more; short protein forms M262fs, M293fs, M321fs, M331fs, M296fs, M303fs, M38fs.
Identifiers: ClinVar variation 3304179 (VCV003304179.1).